The following is an entry in ClinVar:

NM_000492.4(CFTR):c.3997G>T (p.Gly1333Trp)

Gene: CFTR (CF transmembrane conductance regulator; plus strand). Cytogenetic location: 7q31.2.
Variant type: single nucleotide variant.
Coding change: c.3997G>T on transcript NM_000492.4 (MANE Select); coding-DNA position 3997, G replaced by T.
Protein change: p.Gly1333Trp; replaces glycine 1333 with tryptophan.
Molecular consequence: missense variant.
Genome position (GRCh38, 1-based): chr7:117,664,721, G>T. VCF-style: chr7-117664721-G-T. GRCh37 (hg19) VCF-style: chr7-117304775-G-T.
Other names: short protein forms G1333W.
Identifiers: ClinVar variation 35880 (VCV000035880.3), dbSNP rs193922524, ClinGen allele CA260246.
Genomic context (GRCh38, chr7:117,664,721, plus strand): 5'-TATCTGAACTATCTTCTCTAACTGCAGGTTGGGCTCAGATCTGTGATAGAACAGTTTCCT[G>T]GGAAGCTTGACTTTGTCCTTGTGGATGGGGGCTGTGTCCTAAGCCATGGCCACAAGCAGT-3'
Protein context (NP_000483.3, residues 1323-1343): GLRSVIEQFP[Gly1333Trp]KLDFVLVDGG

ClinVar aggregate classification (germline): Likely pathogenic (1 of 4 stars; one submission).

Conditions:
Cystic fibrosis (CF). Also called: MUCOVISCIDOSIS. Identifiers: Orphanet 586, MedGen C0010674, MONDO:0009061, OMIM 219700. Disease mechanism: loss of function.

Submission:

Women's Health and Genetics/Laboratory Corporation of America, LabCorp
Classification: Likely pathogenic for Cystic Fibrosis. Last evaluated: 2011-08-18. Review status: criteria provided, single submitter. Criteria: LabCorp Variant Classification Summary - May 2015. Collection method: curation. Allele origin: germline. Inheritance: autosomal unknown. Affected: yes.
ClinVar note: Converted during submission from likely pathogenic to Likely pathogenic.